The following is an entry in ClinVar:

NC_000003.11:g.(?_148847511)_(148906009_?)dup

Genes: CP (ceruloplasmin; minus strand), HPS3 (HPS3 biogenesis of lysosomal organelles complex 2 subunit 1; plus strand). Cytogenetic location: 3q24-25.1.
Variant type: Duplication.
Identifiers: ClinVar variation 1408991 (VCV001408991.5).

ClinVar aggregate classification (germline): Uncertain significance (1 of 4 stars; one submission).

Conditions:
Deficiency of ferroxidase (ACEP). Also called: Ceruloplasmin deficiency; Familial apoceruloplasmin deficiency; Hereditary ceruloplasmin deficiency; Deficiency of ceruloplasmin; NEURODEGENERATION WITH BRAIN IRON ACCUMULATION 10; Aceruloplasminemia. Identifiers: Orphanet 48818, MedGen C0878682, MONDO:0011426, OMIM 604290, HP:0025498.

Submission:

Labcorp Genetics (formerly Invitae), Labcorp
Classification: Uncertain significance for Deficiency of ferroxidase. Last evaluated: 2021-12-02. Review status: criteria provided, single submitter. Criteria: Invitae Variant Classification Sherloc (09022015). Collection method: clinical testing. Allele origin: germline.
Comment: In summary, the available evidence is currently insufficient to determine the role of this variant in disease. Therefore, it has been classified as a Variant of Uncertain Significance. Experimental studies and prediction algorithms are not available or were not evaluated, and the functional significance of this variant is currently unknown. This variant has not been reported in the literature in individuals affected with CP-related conditions. This variant results in a copy number gain of the genomic region encompassing exon(s) 10-19 of the CP gene. This region includes the termination codon of the gene. This copy number gain extends beyond the assayed region for this gene and therefore may encompass additional genes. As the precise location of this event is unknown, it may be in tandem or it may be located elsewhere in the genome.